The following is an entry in ClinVar:

ClinVar aggregate classification (germline): Likely pathogenic (1 of 4 stars; one submission).

Conditions:
Primary interstitial lung disease specific to childhood due to pulmonary surfactant protein anomalies. Identifiers: Orphanet 100049, MedGen C5680383, MONDO:0015052.
Diffuse interstitial pulmonary fibrosis. Identifiers: MedGen C4721507.

Submission:

Laboratory for Molecular Medicine, Mass General Brigham Personalized Medicine
Classification: Likely pathogenic for Primary interstitial lung disease specific to childhood due to pulmonary surfactant protein anomalies; Interstitial lung disease 2. Last evaluated: 2015-02-26. Review status: criteria provided, single submitter. Criteria: LMM Criteria. Collection method: clinical testing. Allele origin: germline. Inheritance: Autosomal recessive inheritance. Observed: 1 variant allele.
Comment: The c.1609_1611+4delinsCCA variant in ABCA3 has been previously reported in 1 co mpound heterozygous individual with interstitial lung disease (Doan 2008, Wambac h 2014). Data from large population studies is insufficient to assess the freque ncy of this variant. This variant removes the last 3 bases of exon 13 along with the highly conserved +1 and +2 positions in the 5' splice site consensus sequen ce, and inserts three new bases. This deletion/insertion variant is expected to disrupt splicing and lead to an abnormal or absent protein. In summary, although additional studies are required to fully establish its clinical significance, t he c.1609_1611+4delinsCCA variant is likely pathogenic.

Literature cited by the submitters: PubMed 18024538; PubMed 24871971.

NM_001089.3(ABCA3):c.1609_1611+4delinsCCA

Gene: ABCA3 (ATP binding cassette subfamily A member 3; minus strand). Cytogenetic location: 16p13.3.
Variant type: Indel.
Coding change: c.1609_1611+4delinsCCA on transcript NM_001089.3 (MANE Select); coding-DNA position 1609 through 4 bases into the intron after coding-DNA position 1611, AAGGTGC replaced by CCA.
Molecular consequence: splice donor variant.
Genome position (GRCh38, 1-based): chr16:2,300,001-2,300,007, GCACCTT replaced by TGG on the plus strand (AAGGTGC replaced by CCA on the coding strand, the reverse complement: ABCA3 is on the minus strand). VCF-style: chr16-2300001-GCACCTT-TGG. GRCh37 (hg19) VCF-style: chr16-2350002-GCACCTT-TGG.
Identifiers: ClinVar variation 228242 (VCV000228242.4), dbSNP rs876657633, ClinGen allele CA10577005.